The following is an entry in ClinVar:

ClinVar aggregate classification (germline): Conflicting classifications of pathogenicity. Review status: criteria provided, conflicting classifications (1 of 4 stars). 3 submissions from 3 submitters: Uncertain significance (2); Likely benign (1). Last evaluated 2025-11-03.

Conditions:
Hereditary cancer-predisposing syndrome. Also called: Tumor predisposition; Hereditary neoplastic syndrome; Neoplastic Syndromes, Hereditary; Hereditary Cancer Syndrome. Identifiers: Orphanet 140162, MedGen C0027672, MeSH D009386, MONDO:0015356.

Allele frequency attached by ClinVar (database versions not stated): TOPMed 0.00003; gnomAD 0.00004; ExAC 0.00007; gnomAD exomes 0.00007 and 0.00009; ESP Exome Variant Server 0.00008.
gnomAD v4.1: 105 of 1,614,040 alleles (0.0065%); highest among the groups gnomAD compares: Admixed American, 0.03%; no homozygotes.

Submissions (3):

Labcorp Genetics (formerly Invitae), Labcorp
Classification: Uncertain significance. Last evaluated: 2025-11-03. Review status: criteria provided, single submitter. Criteria: Invitae Variant Classification Sherloc (09022015). Collection method: clinical testing. Allele origin: germline.
Comment: This sequence change replaces aspartic acid, which is acidic and polar, with glycine, which is neutral and non-polar, at codon 364 of the ABRAXAS1 protein (p.Asp364Gly). This variant is present in population databases (rs142910445, gnomAD 0.03%). This variant has not been reported in the literature in individuals affected with ABRAXAS1-related conditions. ClinVar contains an entry for this variant (Variation ID: 664277). An algorithm developed to predict the effect of missense changes on protein structure and function outputs the following: PolyPhen-2: "Benign". The glycine amino acid residue is found in multiple mammalian species, which suggests that this missense change does not adversely affect protein function. In summary, the available evidence is currently insufficient to determine the role of this variant in disease. Therefore, it has been classified as a Variant of Uncertain Significance.

Women's Health and Genetics/Laboratory Corporation of America, LabCorp
Classification: Likely benign. Last evaluated: 2025-07-10. Review status: criteria provided, single submitter. Criteria: LabCorp Variant Classification Summary - May 2015. Collection method: clinical testing. Allele origin: germline.
Comment: Variant summary: FAM175A, also known as ABRAXAS1, c.1091A>G (p.Asp364Gly) results in a non-conservative amino acid change in the encoded protein sequence. Algorithms developed to predict the effect of missense changes on protein structure and function are either unavailable or do not agree on the potential impact of this missense change. The variant allele was found at a frequency of 9.1e-05 in 251396 control chromosomes, predominantly at a frequency of 0.00029 within the Latino subpopulation in the gnomAD database. The observed variant frequency within Latino control individuals in the gnomAD database is approximately 9.28 fold of the estimated maximal expected allele frequency for a pathogenic variant in FAM175A causing Hereditary Breast And Ovarian Cancer Syndrome phenotype (3.1e-05). The variant was also found in 3/7325 European American women over the age of 70 without history of cancer (FLOSSIES database, carrier frequency = 0.0004096). c.1091A>G has been observed in individuals affected with Breast Cancer and in control individuals (example: Dorling_2021). This report does not provide unequivocal conclusions about association of the variant with Hereditary Breast And Ovarian Cancer Syndrome. To our knowledge, no experimental evidence demonstrating an impact on protein function has been reported. The following publication has been ascertained in the context of this evaluation (PMID: 33471991). ClinVar contains an entry for this variant (Variation ID: 664277). Based on the evidence outlined above, the variant was classified as likely benign.

Ambry Genetics
Classification: Uncertain significance for Hereditary cancer-predisposing syndrome. Last evaluated: 2022-12-31. Review status: criteria provided, single submitter. Criteria: Ambry General Variant Classification Scheme_2022. Collection method: clinical testing. Allele origin: germline.
Comment: The p.D364G variant (also known as c.1091A>G), located in coding exon 9 of the FAM175A gene, results from an A to G substitution at nucleotide position 1091. The aspartic acid at codon 364 is replaced by glycine, an amino acid with similar properties. This amino acid position is conserved. In addition, this alteration is predicted to be tolerated by in silico analysis. Since supporting evidence is limited at this time, the clinical significance of this alteration remains unclear.

Literature cited by the submitters: PubMed 33471991 (cited by Women's Health and Genetics/Laboratory Corporation of America, LabCorp).

NM_139076.3(ABRAXAS1):c.1091A>G (p.Asp364Gly)

Gene: ABRAXAS1 (abraxas 1, BRCA1 A complex subunit; minus strand). Cytogenetic location: 4q21.23.
Variant type: single nucleotide variant.
Coding change: c.1091A>G on transcript NM_139076.3 (MANE Select); coding-DNA position 1091, A replaced by G.
Protein change: p.Asp364Gly; replaces aspartic acid 364 with glycine.
Molecular consequence: missense variant.
Genome position (GRCh38, 1-based): chr4:83,462,608, T>C on the plus strand (A>G on the coding strand, the complement: ABRAXAS1 is on the minus strand). VCF-style: chr4-83462608-T-C. GRCh37 (hg19) VCF-style: chr4-84383761-T-C.
Other names: c.764A>G, p.Asp255Gly (NM_001345962.2); short protein forms D255G, D364G.
Identifiers: ClinVar variation 664277 (VCV000664277.13), dbSNP rs142910445, ClinGen allele CA2990379.